The following is an entry in ClinVar:

NM_004793.4(LONP1):c.1736A>C (p.Lys579Thr)

Gene: LONP1 (lon peptidase 1, mitochondrial; minus strand). Cytogenetic location: 19p13.3.
Variant type: single nucleotide variant.
Coding change: c.1736A>C on transcript NM_004793.4 (MANE Select); coding-DNA position 1736, A replaced by C.
Protein change: p.Lys579Thr; replaces lysine 579 with threonine.
Molecular consequence: missense variant. On other transcripts: non-coding transcript variant (1).
Genome position (GRCh38, 1-based): chr19:5,696,707, T>G on the plus strand (A>C on the coding strand, the complement: LONP1 is on the minus strand). VCF-style: chr19-5696707-T-G. GRCh37 (hg19) VCF-style: chr19-5696718-T-G.
Other names: c.1544A>C, p.Lys515Thr (NM_001276479.2); c.1148A>C, p.Lys383Thr (NM_001276480.1); short protein forms K515T, K579T, K383T.
Identifiers: ClinVar variation 2082545 (VCV002082545.4), dbSNP rs200147790, ClinGen allele CA9114538.

ClinVar aggregate classification (germline): Uncertain significance (1 of 4 stars; one submission).

Allele frequency attached by ClinVar (database versions not stated): gnomAD exomes 0.00001; TOPMed 0.00001; gnomAD 0.00003; ExAC 0.00004; 1000 Genomes Project 30x 0.00016; 1000 Genomes Project 0.00020.
gnomAD v4.1: 22 of 1,613,678 alleles (0.0014%); highest among the groups gnomAD compares: East Asian, 0.0045%; no homozygotes.

Submission:

Labcorp Genetics (formerly Invitae), Labcorp
Classification: Uncertain significance. Last evaluated: 2022-06-04. Review status: criteria provided, single submitter. Criteria: Invitae Variant Classification Sherloc (09022015). Collection method: clinical testing. Allele origin: germline.
Comment: This variant has not been reported in the literature in individuals affected with LONP1-related conditions. Algorithms developed to predict the effect of missense changes on protein structure and function are either unavailable or do not agree on the potential impact of this missense change (SIFT: "Deleterious"; PolyPhen-2: "Possibly Damaging"; Align-GVGD: "Class C0"). In summary, the available evidence is currently insufficient to determine the role of this variant in disease. Therefore, it has been classified as a Variant of Uncertain Significance. This sequence change replaces lysine, which is basic and polar, with threonine, which is neutral and polar, at codon 579 of the LONP1 protein (p.Lys579Thr). This variant is present in population databases (rs200147790, gnomAD 0.01%).